The following is an entry in ClinVar:

NM_017636.4(TRPM4):c.2133-87C>T

Gene: TRPM4 (transient receptor potential cation channel subfamily M member 4; plus strand). Cytogenetic location: 19q13.33.
Variant type: single nucleotide variant.
Coding change: c.2133-87C>T on transcript NM_017636.4 (MANE Select); 87 bases into the intron before coding-DNA position 2133, C replaced by T.
Molecular consequence: intron variant.
Genome position (GRCh38, 1-based): chr19:49,190,609, C>T. VCF-style: chr19-49190609-C-T. GRCh37 (hg19) VCF-style: chr19-49693866-C-T.
Other names: c.2133-87C>T (NM_001195227.2); c.525-87C>T (NM_001321282.2); c.1788-87C>T (NM_001321281.2); c.1611-87C>T (NM_001321283.2); c.1071-87C>T (NM_001321285.2).
Identifiers: ClinVar variation 679640 (VCV000679640.2), dbSNP rs75346702, ClinGen allele CA309450232.

ClinVar aggregate classification (germline): Benign. Review status: criteria provided, multiple submitters, no conflicts (2 of 4 stars). 2 submissions from 2 submitters: Benign (2). Last evaluated 2018-06-14.

Allele frequency attached by ClinVar (database versions not stated): gnomAD 0.01882 and 0.01979; TOPMed 0.02114; 1000 Genomes Project 30x 0.02420.
gnomAD v4.1: 6,981 of 1,365,420 alleles (0.51%); highest among the groups gnomAD compares: African/African-American, 5.9%; 155 homozygotes.

Submissions (2):

GeneDx
Classification: Benign. Last evaluated: 2018-06-14. Review status: criteria provided, single submitter. Criteria: GeneDx Variant Classification (06012015). Collection method: clinical testing. Allele origin: germline. Affected: yes.
Comment: This variant is considered likely benign or benign based on one or more of the following criteria: it is a conservative change, it occurs at a poorly conserved position in the protein, it is predicted to be benign by multiple in silico algorithms, and/or has population frequency not consistent with disease.

Breakthrough Genomics
Classification: Benign. Review status: criteria provided, single submitter. Criteria: ACMG Guidelines, 2015. Collection method: not provided. Allele origin: germline. Inheritance: Autosomal dominant inheritance. Affected: yes.